The following is an entry in ClinVar:

NM_000257.4(MYH7):c.4618C>T (p.Leu1540=)

Genes: MHRT (myosin heavy chain associated RNA transcript; plus strand), MYH7 (myosin heavy chain 7; minus strand). Cytogenetic location: 14q11.2.
Variant type: single nucleotide variant.
Coding change: c.4618C>T on transcript NM_000257.4 (MANE Select); coding-DNA position 4618, C replaced by T.
Protein change: p.Leu1540=; no amino-acid change (leucine 1540 retained).
Molecular consequence: synonymous variant.
Genome position (GRCh38, 1-based): chr14:23,416,894, G>A on the plus strand (C>T on the coding strand, the complement: MYH7 is on the minus strand). VCF-style: chr14-23416894-G-A. GRCh37 (hg19) VCF-style: chr14-23886103-G-A.
Identifiers: ClinVar variation 178080 (VCV000178080.28), dbSNP rs368734580, ClinGen allele CA015157.
Genomic context (GRCh38, chr14:23,416,894, plus strand): 5'-CTCCCTGCACCCCGTGCCCTGCACACACACACACCTCGGCCTCCTCCAGGGCTGACTGCA[G>A]CTCCATCTTCTCGGCCTCCAGCTGCTTTCGGACCTTCTCCAGCTCATGGATAGTCTTTCC-3'
Protein context (NP_000248.2, residues 1530-1550): RKQLEAEKME[Leu1540=]QSALEEAEAS

ClinVar aggregate classification (germline): Benign/Likely benign. Review status: criteria provided, multiple submitters, no conflicts (2 of 4 stars). 12 submissions from 12 submitters: Benign (1); Likely benign (8). 3 of the submissions do not count toward it. Last evaluated 2026-01-31.

Conditions:
Cardiovascular phenotype. Identifiers: MedGen CN230736.
Cardiomyopathy (CMYO). Also called: Cardiomyopathies. Identifiers: Orphanet 167848, MedGen C0878544, MONDO:0004994, HP:0001638. Inheritance: Various modes of inheritance.
Hypertrophic cardiomyopathy. Also called: HYPERTROPHIC MYOCARDIOPATHY. Identifiers: Orphanet 217569, MedGen C0007194, MeSH D002312, MONDO:0005045, HP:0001639.

Allele frequency attached by ClinVar (database versions not stated): ExAC 0.00007; gnomAD 0.00007 and 0.00008; ESP Exome Variant Server 0.00008; gnomAD exomes 0.00009 and 0.00010; TOPMed 0.00012.
gnomAD v4.1: 138 of 1,614,096 alleles (0.0085%); highest among the groups gnomAD compares: Admixed American, 0.025%; no homozygotes.

Submissions (12):

Labcorp Genetics (formerly Invitae), Labcorp
Classification: Likely benign for Hypertrophic cardiomyopathy. Last evaluated: 2026-01-31. Review status: criteria provided, single submitter. Criteria: Invitae Variant Classification Sherloc (09022015). Collection method: clinical testing. Allele origin: germline.

Women's Health and Genetics/Laboratory Corporation of America, LabCorp
Classification: Likely benign. Last evaluated: 2026-01-10. Review status: criteria provided, single submitter. Criteria: LabCorp Variant Classification Summary - May 2015. Collection method: clinical testing. Allele origin: germline.

Molecular Diagnostic Laboratory for Inherited Cardiovascular Disease, Montreal Heart Institute
Classification: Likely benign. Last evaluated: 2025-07-24. Review status: criteria provided, single submitter. Criteria: ACMG Guidelines, 2015. Collection method: clinical testing. Allele origin: germline. Affected: no.
Comment: BP7

Blueprint Genetics
Classification: Likely benign. Last evaluated: 2024-10-17. Review status: criteria provided, single submitter. Criteria: ACMG Guidelines, 2015. Collection method: clinical testing. Allele origin: germline.

CHEO Genetics Diagnostic Laboratory, Children's Hospital of Eastern Ontario
Classification: Likely benign for Cardiomyopathy. Last evaluated: 2020-05-08. Review status: criteria provided, single submitter. Criteria: ACMG Guidelines, 2015. Collection method: clinical testing. Allele origin: germline.

Ambry Genetics
Classification: Likely benign for Cardiovascular phenotype. Last evaluated: 2018-07-03. Review status: criteria provided, single submitter. Criteria: Ambry Variant Classification Scheme 2023. Collection method: clinical testing. Allele origin: germline.

Color Diagnostics, LLC DBA Color Health
Classification: Likely benign for Cardiomyopathy. Last evaluated: 2018-06-18. Review status: criteria provided, single submitter. Criteria: ACMG Guidelines, 2015. Collection method: clinical testing. Allele origin: germline.

Laboratory for Molecular Medicine, Mass General Brigham Personalized Medicine
Classification: Likely benign. Last evaluated: 2016-11-04. Review status: criteria provided, single submitter. Criteria: LMM Criteria. Collection method: clinical testing. Allele origin: germline. Observed: 2 variant alleles.
Comment: p.Leu1540Leu in exon 33 of MYH7: This variant is not expected to have clinical s ignificance because it does not alter an amino acid residue and is not located w ithin the splice consensus sequence. It has been identified in 6/66630 European chromosomes by the Exome Aggregation Consortium (ExAC; dbSNP rs368734580).

GeneDx
Classification: Benign. Last evaluated: 2016-08-15. Review status: criteria provided, single submitter. Criteria: GeneDx Variant Classification (06012015). Collection method: clinical testing. Allele origin: germline. Affected: yes.
Comment: This variant is considered likely benign or benign based on one or more of the following criteria: it is a conservative change, it occurs at a poorly conserved position in the protein, it is predicted to be benign by multiple in silico algorithms, and/or has population frequency not consistent with disease.

Clinical Genetics DNA and cytogenetics Diagnostics Lab, Erasmus MC, Erasmus Medical Center
Classification: Likely benign. Review status: no assertion criteria provided. Collection method: clinical testing. Allele origin: germline. Affected: yes. Study: VKGL Data-share Consensus. Not counted in ClinVar's aggregate classification.

Clinical Genetics, Academic Medical Center
Classification: Benign. Review status: no assertion criteria provided. Collection method: clinical testing. Allele origin: germline. Affected: yes. Study: VKGL Data-share Consensus. Not counted in ClinVar's aggregate classification.

Diagnostic Laboratory, Department of Genetics, University Medical Center Groningen
Classification: Likely benign. Review status: no assertion criteria provided. Collection method: clinical testing. Allele origin: germline. Affected: yes. Study: VKGL Data-share Consensus. Not counted in ClinVar's aggregate classification.